The following is an entry in ClinVar:

NM_032447.5(FBN3):c.8156G>T (p.Arg2719Leu)

Gene: FBN3 (fibrillin 3; minus strand). Cytogenetic location: 19p13.2.
Variant type: single nucleotide variant.
Coding change: c.8156G>T on transcript NM_032447.5 (MANE Select); coding-DNA position 8156, G replaced by T.
Protein change: p.Arg2719Leu; replaces arginine 2719 with leucine.
Molecular consequence: missense variant.
Genome position (GRCh38, 1-based): chr19:8,066,193, C>A on the plus strand (G>T on the coding strand, the complement: FBN3 is on the minus strand). VCF-style: chr19-8066193-C-A. GRCh37 (hg19) VCF-style: chr19-8131077-C-A.
Other names: c.8156G>T, p.Arg2719Leu (NM_001321431.2); short protein forms R2719L.
Identifiers: ClinVar variation 2986740 (VCV002986740.3), dbSNP rs144078033, ClinGen allele CA9150621.

ClinVar aggregate classification (germline): Uncertain significance (1 of 4 stars; one submission).

gnomAD v4.1: 7 of 1,610,840 alleles (0.00043%); highest among the groups gnomAD compares: Admixed American, 0.0084%; no homozygotes.

Submission:

Labcorp Genetics (formerly Invitae), Labcorp
Classification: Uncertain significance. Last evaluated: 2023-05-10. Review status: criteria provided, single submitter. Criteria: Invitae Variant Classification Sherloc (09022015). Collection method: clinical testing. Allele origin: germline.
Comment: This sequence change replaces arginine, which is basic and polar, with leucine, which is neutral and non-polar, at codon 2719 of the FBN3 protein (p.Arg2719Leu). This variant is present in population databases (rs144078033, gnomAD 0.02%). This variant has not been reported in the literature in individuals affected with FBN3-related conditions. Advanced modeling of protein sequence and biophysical properties (such as structural, functional, and spatial information, amino acid conservation, physicochemical variation, residue mobility, and thermodynamic stability) performed at Invitae indicates that this missense variant is not expected to disrupt FBN3 protein function. In summary, the available evidence is currently insufficient to determine the role of this variant in disease. Therefore, it has been classified as a Variant of Uncertain Significance.